The following is an entry in ClinVar:

ClinVar aggregate classification (germline): Uncertain significance (1 of 4 stars; one submission).

Conditions:
Zellweger spectrum disorders (ZS). Also called: Zellweger Spectrum Disorder (ZSD); Zellweger syndrome; Zellweger Spectrum Disorder; Zellweger Spectrum. Identifiers: Orphanet 912, MedGen C0043459, MONDO:0019609.

Allele frequency attached by ClinVar (database versions not stated): gnomAD exomes below 0.00001; TOPMed below 0.00001.
gnomAD v4.1: 4 of 1,614,144 alleles (0.00025%); highest among the groups gnomAD compares: Non-Finnish European, 0.00034%; no homozygotes.

Submission:

Labcorp Genetics (formerly Invitae), Labcorp
Classification: Uncertain significance for Zellweger spectrum disorders. Last evaluated: 2021-08-30. Review status: criteria provided, single submitter. Criteria: Invitae Variant Classification Sherloc (09022015). Collection method: clinical testing. Allele origin: germline.
Comment: This sequence change replaces valine with alanine at codon 73 of the PEX1 protein (p.Val73Ala). The valine residue is moderately conserved and there is a small physicochemical difference between valine and alanine. This variant is not present in population databases (ExAC no frequency). This variant has not been reported in the literature in individuals affected with PEX1-related conditions. Algorithms developed to predict the effect of missense changes on protein structure and function (SIFT, PolyPhen-2, Align-GVGD) all suggest that this variant is likely to be tolerated. In summary, the available evidence is currently insufficient to determine the role of this variant in disease. Therefore, it has been classified as a Variant of Uncertain Significance.

NM_000466.3(PEX1):c.218T>C (p.Val73Ala)

Gene: PEX1 (peroxisomal biogenesis factor 1; minus strand). Cytogenetic location: 7q21.2.
Variant type: single nucleotide variant.
Coding change: c.218T>C on transcript NM_000466.3 (MANE Select); coding-DNA position 218, T replaced by C.
Protein change: p.Val73Ala; replaces valine 73 with alanine.
Molecular consequence: missense variant. On other transcripts: 5 prime UTR variant (1).
Genome position (GRCh38, 1-based): chr7:92,522,157, A>G on the plus strand (T>C on the coding strand, the complement: PEX1 is on the minus strand). VCF-style: chr7-92522157-A-G. GRCh37 (hg19) VCF-style: chr7-92151471-A-G.
Other names: c.218T>C, p.Val73Ala (NM_001282677.2); c.-442T>C (NM_001282678.2); short protein forms V73A.
Identifiers: ClinVar variation 1395444 (VCV001395444.5), dbSNP rs1793077054, ClinGen allele CA368204886.